The following is an entry in ClinVar:

ClinVar aggregate classification (germline): Uncertain significance (1 of 4 stars; one submission).

Conditions:
Gnathodiaphyseal dysplasia (GDD). Also called: GNATHODIAPHYSEAL SCLEROSIS; OSTEOGENESIS IMPERFECTA WITH UNUSUAL SKELETAL LESIONS. Identifiers: Orphanet 53697, MedGen C1833736, MONDO:0008151, OMIM 166260.
Autosomal recessive limb-girdle muscular dystrophy type 2L (LGMDR12). Also called: Limb-girdle muscular dystrophy, type 2L; MUSCULAR DYSTROPHY, LIMB-GIRDLE, AUTOSOMAL RECESSIVE 12; Limb-Girdle Muscular Dystrophy R12 Anoctamin-5-Related (LGMD-R12). Identifiers: Orphanet 206549, MedGen C1969785, MONDO:0012652, OMIM 611307.

Submission:

Labcorp Genetics (formerly Invitae), Labcorp
Classification: Uncertain significance for Autosomal recessive limb-girdle muscular dystrophy type 2L; Gnathodiaphyseal dysplasia. Last evaluated: 2025-03-12. Review status: criteria provided, single submitter. Criteria: Invitae Variant Classification Sherloc (09022015). Collection method: clinical testing. Allele origin: germline.
Comment: This sequence change replaces leucine, which is neutral and non-polar, with proline, which is neutral and non-polar, at codon 32 of the ANO5 protein (p.Leu32Pro). This variant is not present in population databases (gnomAD no frequency). This variant has not been reported in the literature in individuals affected with ANO5-related conditions. Invitae Evidence Modeling of protein sequence and biophysical properties (such as structural, functional, and spatial information, amino acid conservation, physicochemical variation, residue mobility, and thermodynamic stability) has been performed for this missense variant. However, the output from this modeling did not meet the statistical confidence thresholds required to predict the impact of this variant on ANO5 protein function. In summary, the available evidence is currently insufficient to determine the role of this variant in disease. Therefore, it has been classified as a Variant of Uncertain Significance.

NM_213599.3(ANO5):c.95T>C (p.Leu32Pro)

Gene: ANO5 (anoctamin 5; plus strand). Cytogenetic location: 11p14.3.
Variant type: single nucleotide variant.
Coding change: c.95T>C on transcript NM_213599.3 (MANE Select); coding-DNA position 95, T replaced by C.
Protein change: p.Leu32Pro; replaces leucine 32 with proline.
Molecular consequence: missense variant. On other transcripts: intron variant (2).
Genome position (GRCh38, 1-based): chr11:22,211,271, T>C. VCF-style: chr11-22211271-T-C. GRCh37 (hg19) VCF-style: chr11-22232817-T-C.
Other names: c.92T>C, p.Leu31Pro (NM_001142649.2, NM_001410964.1, NM_001441299.1 and 1 more transcripts); c.95T>C, p.Leu32Pro (NM_001410963.1, NM_001441298.1, NM_001441300.1); c.17T>C, p.Leu6Pro (NM_001441294.1, NM_001441297.1); c.14T>C, p.Leu5Pro (NM_001441295.1); c.87+7421T>C (NM_001441296.1, NM_001441302.1); short protein forms L32P, L6P, L5P, L31P.
Identifiers: ClinVar variation 4787455 (VCV004787455.1).
Genomic context (GRCh38, chr11:22,211,271, plus strand): 5'-TGCTCCACCTGCACTATTAATAATAGCATTATATCTTCCCCTGGTACTGTTAGCAGAGCC[T>C]GAGCAGCAGAGAGACCAGCTTTCTCATCAATGAAGAAACAATGGTAAGCAGCGACCAGTA-3'
Protein context (NP_998764.1, residues 22-42): DYSFQMSEQS[Leu32Pro]SSRETSFLIN